The following is an entry in ClinVar:

ClinVar aggregate classification (germline): Uncertain significance (1 of 4 stars; one submission).

gnomAD v4.1: 4 of 1,613,722 alleles (0.00025%); highest among the groups gnomAD compares: Non-Finnish European, 0.00025%; no homozygotes.

Submission:

Ambry Genetics
Classification: Uncertain significance. Last evaluated: 2024-04-27. Review status: criteria provided, single submitter. Criteria: Ambry Variant Classification Scheme 2023. Collection method: clinical testing. Allele origin: germline.
Comment: The p.E1079G variant (also known as c.3236A>G), located in coding exon 16 of the POLQ gene, results from an A to G substitution at nucleotide position 3236. The glutamic acid at codon 1079 is replaced by glycine, an amino acid with similar properties. This amino acid position is conserved. In addition, this alteration is predicted to be tolerated by in silico analysis. Based on the available evidence, the clinical significance of this variant remains unclear.

NM_199420.4(POLQ):c.3236A>G (p.Glu1079Gly)

Gene: POLQ (DNA polymerase theta; minus strand). Cytogenetic location: 3q13.33.
Variant type: single nucleotide variant.
Coding change: c.3236A>G on transcript NM_199420.4 (MANE Select); coding-DNA position 3236, A replaced by G.
Protein change: p.Glu1079Gly; replaces glutamic acid 1079 with glycine.
Molecular consequence: missense variant.
Genome position (GRCh38, 1-based): chr3:121,489,695, T>C on the plus strand (A>G on the coding strand, the complement: POLQ is on the minus strand). VCF-style: chr3-121489695-T-C. GRCh37 (hg19) VCF-style: chr3-121208542-T-C.
Other names: short protein forms E1079G.
Identifiers: ClinVar variation 3308654 (VCV003308654.1).